The following is an entry in ClinVar:

ClinVar aggregate classification (germline): Uncertain significance. Review status: criteria provided, multiple submitters, no conflicts (2 of 4 stars). 3 submissions from 3 submitters: Uncertain significance (3). Last evaluated 2026-04-17.

Conditions:
Hereditary cancer-predisposing syndrome. Also called: Hereditary Cancer Syndrome; Neoplastic Syndromes, Hereditary; Tumor predisposition; Hereditary neoplastic syndrome. Identifiers: Orphanet 140162, MedGen C0027672, MeSH D009386, MONDO:0015356.
Hereditary breast ovarian cancer syndrome. Also called: Hereditary breast and ovarian cancer syndrome (HBOC); Hereditary breast and/or ovarian cancer syndrome; BRCA1- and BRCA2-Associated Hereditary Breast and Ovarian Cancer; Hereditary breast and ovarian cancer; Breast and ovarian cancer; Hereditary breast and ovarian cancer syndrome. Identifiers: Orphanet 145, MedGen C0677776, MeSH D061325, MONDO:0003582. Disease mechanism: loss of function.

Allele frequency attached by ClinVar (database versions not stated): gnomAD 0.00001; TOPMed 0.00001.
gnomAD v4.1: 2 of 1,613,528 alleles (0.00012%); highest among the groups gnomAD compares: African/African-American, 0.0027%; no homozygotes.

Submissions (3):

Ambry Genetics
Classification: Uncertain significance for Hereditary cancer-predisposing syndrome. Last evaluated: 2026-04-17. Review status: criteria provided, single submitter. Criteria: Ambry Variant Classification Scheme 2023. Collection method: clinical testing. Allele origin: germline.
Comment: The p.Q1458L variant (also known as c.4373A>T), located in coding exon 12 of the BRCA1 gene, results from an A to T substitution at nucleotide position 4373. The glutamine at codon 1458 is replaced by leucine, an amino acid with dissimilar properties. This amino acid position is not well conserved in available vertebrate species. In addition, this alteration is predicted to be tolerated by in silico analysis. Based on the available evidence, the clinical significance of this variant remains unclear.

Labcorp Genetics (formerly Invitae), Labcorp
Classification: Uncertain significance for Hereditary breast ovarian cancer syndrome. Last evaluated: 2026-01-18. Review status: criteria provided, single submitter. Criteria: Invitae Variant Classification Sherloc (09022015). Collection method: clinical testing. Allele origin: germline.
Comment: This sequence change replaces glutamine, which is neutral and polar, with leucine, which is neutral and non-polar, at codon 1458 of the BRCA1 protein (p.Gln1458Leu). This variant is not present in population databases (gnomAD no frequency). This missense change has been observed in individual(s) with breast cancer (PMID: 31871109). ClinVar contains an entry for this variant (Variation ID: 934818). Invitae Evidence Modeling of protein sequence and biophysical properties (such as structural, functional, and spatial information, amino acid conservation, physicochemical variation, residue mobility, and thermodynamic stability) indicates that this missense variant is not expected to disrupt BRCA1 protein function with a negative predictive value of 95%. In summary, the available evidence is currently insufficient to determine the role of this variant in disease. Therefore, it has been classified as a Variant of Uncertain Significance.

Women's Health and Genetics/Laboratory Corporation of America, LabCorp
Classification: Uncertain significance. Last evaluated: 2024-09-16. Review status: criteria provided, single submitter. Criteria: LabCorp Variant Classification Summary - May 2015. Collection method: clinical testing. Allele origin: germline.
Comment: Variant summary: BRCA1 c.4373A>T (p.Gln1458Leu) results in a non-conservative amino acid change in the encoded protein sequence. Three of five in-silico tools predict a benign effect of the variant on protein function. The variant was absent in 251060 control chromosomes. The available data on variant occurrences in the general population are insufficient to allow any conclusion about variant significance. c.4373A>T has been reported in the literature in a cohort of women in Uganda and Cameroon, however it was not clear if the variant occurred in a breast cancer case or a control (e.g., Adedokun_2020). These report(s) do not provide unequivocal conclusions about association of the variant with Hereditary Breast And Ovarian Cancer Syndrome. To our knowledge, no experimental evidence demonstrating an impact on protein function has been reported. The following publications have been ascertained in the context of this evaluation (PMID: 31871109, 34301763). ClinVar contains an entry for this variant (Variation ID: 934818). Based on the evidence outlined above, the variant was classified as uncertain significance.

Literature cited by the submitters: PubMed 31871109 (cited by Labcorp Genetics (formerly Invitae), Labcorp and Women's Health and Genetics/Laboratory Corporation of America, LabCorp); PubMed 34301763 (cited by Women's Health and Genetics/Laboratory Corporation of America, LabCorp).

NM_007294.4(BRCA1):c.4373A>T (p.Gln1458Leu)

Gene: BRCA1 (BRCA1 DNA repair associated; minus strand). Cytogenetic location: 17q21.31.
Variant type: single nucleotide variant.
Coding change: c.4373A>T on transcript NM_007294.4 (MANE Select); coding-DNA position 4373, A replaced by T.
Protein change: p.Gln1458Leu; replaces glutamine 1458 with leucine.
Molecular consequence: missense variant. On other transcripts: non-coding transcript variant (1).
Genome position (GRCh38, 1-based): chr17:43,076,599, T>A on the plus strand (A>T on the coding strand, the complement: BRCA1 is on the minus strand). VCF-style: chr17-43076599-T-A. GRCh37 (hg19) VCF-style: chr17-41228616-T-A.
Other names: c.4226A>T, p.Gln1409Leu (NM_001407839.1, NM_001407841.1, NM_001407842.1 and 12 more transcripts); c.4373A>T, p.Gln1458Leu (NM_001407854.1, NM_001407684.1, NM_001407593.1 and 8 more transcripts); c.4370A>T, p.Gln1457Leu (NM_001407858.1, NM_001407859.1, NM_001407860.1 and 17 more transcripts); c.4367A>T, p.Gln1456Leu (NM_001407861.1, NM_001407634.1, NM_001407635.1 and 14 more transcripts); c.4172A>T, p.Gln1391Leu (NM_001407862.1); c.4247A>T, p.Gln1416Leu (NM_001407863.1, NM_001407675.1, NM_001407676.1 and 11 more transcripts); c.4166A>T, p.Gln1389Leu (NM_001407874.1, NM_001407875.1); c.4160A>T, p.Gln1387Leu (NM_001407896.1, NM_001407897.1, NM_001407898.1 and 12 more transcripts); and 68 more; short protein forms Q1411L, Q1479L, Q354L, Q1458L, Q1162L, Q1329L, Q1346L, Q1347L.
Identifiers: ClinVar variation 934818 (VCV000934818.12), dbSNP rs1377750822, ClinGen allele CA10592795.